The following is an entry in ClinVar:

ClinVar aggregate classification (germline): Conflicting classifications of pathogenicity. Review status: criteria provided, conflicting classifications (1 of 4 stars). 4 submissions from 4 submitters: Uncertain significance (3); Likely benign (1). Last evaluated 2026-02-01.

Conditions:
Cardiomyopathy (CMYO). Also called: Cardiomyopathies. Identifiers: Orphanet 167848, MedGen C0878544, MONDO:0004994, HP:0001638. Inheritance: Various modes of inheritance.
Cardiovascular phenotype. Identifiers: MedGen CN230736.

Submissions (4):

CeGaT Center for Human Genetics Tuebingen
Classification: Uncertain significance. Last evaluated: 2026-02-01. Review status: criteria provided, single submitter. Criteria: CeGaT Center For Human Genetics Tuebingen Variant Classification Criteria Version 2. Collection method: clinical testing. Allele origin: germline. Affected: yes. Observed: 1 variant allele.
Comment: DSP: PM2, PVS1:Moderate

Ambry Genetics
Classification: Uncertain significance for Cardiovascular phenotype. Last evaluated: 2025-09-05. Review status: criteria provided, single submitter. Criteria: Ambry Variant Classification Scheme 2023. Collection method: clinical testing. Allele origin: germline.
Comment: The c.1141-3_1141-2delCA intronic variant is located 3 nucleotide(s) before coding exon 10 in the DSP gene. This variant results from a deletion of 2 nucleotides at positions c.1141-3 to c.1141-2. This variant does not change the sequence of the canonical acceptor at this splice site. The canonical splice acceptor site is highly conserved in available vertebrate species. In silico splice site analysis predicts that this alteration will not have any significant effect on splicing. Based on the available evidence, the clinical significance of this variant remains unclear.

GeneDx
Classification: Uncertain significance. Last evaluated: 2024-12-26. Review status: criteria provided, single submitter. Criteria: GeneDx Variant Classification Process June 2021. Collection method: clinical testing. Allele origin: germline.
Comment: Has not been previously published as pathogenic or benign to our knowledge; Not observed at significant frequency in large population cohorts (gnomAD); In silico analysis indicates that this variant does not alter splicing

Color Diagnostics, LLC DBA Color Health
Classification: Likely benign for Cardiomyopathy. Last evaluated: 2019-11-24. Review status: criteria provided, single submitter. Criteria: ACMG Guidelines, 2015. Collection method: clinical testing. Allele origin: germline.

NM_004415.4(DSP):c.1141-3_1141-2del

Gene: DSP (desmoplakin; plus strand). Cytogenetic location: 6p24.3.
Variant type: Microsatellite.
Coding change: c.1141-3_1141-2del on transcript NM_004415.4 (MANE Select); 3 bases into the intron before coding-DNA position 1141 through the canonical splice acceptor site of the intron before coding-DNA position 1141, 2 bases deleted (CA; older notation c.1141-3_1141-2delCA).
Molecular consequence: splice acceptor variant.
Genome position (GRCh38, 1-based): chr6:7,567,778-7,567,779, CA deleted; deleting any 2 consecutive bases within chr6:7,567,776-7,567,779 gives the same sequence; the c. name uses the placement nearest the transcript's 3' end. VCF-style (leftmost placement, unchanged base first): chr6-7567775-TCA-T. GRCh37 (hg19) VCF-style: chr6-7568008-TCA-T.
Other names: c.1141-3_1141-2delCA (NM_004415.2); c.1141-3_1141-2del (NM_001319034.2, NM_001008844.3).
Identifiers: ClinVar variation 925257 (VCV000925257.9), dbSNP rs1758908162, ClinGen allele CA1608621456.